The following is an entry in ClinVar:

NM_001172509.2(SATB2):c.64G>A (p.Asp22Asn)

Gene: SATB2 (SATB homeobox 2; minus strand). Cytogenetic location: 2q33.1.
Variant type: single nucleotide variant.
Coding change: c.64G>A on transcript NM_001172509.2 (MANE Select); coding-DNA position 64, G replaced by A.
Protein change: p.Asp22Asn; replaces aspartic acid 22 with asparagine.
Molecular consequence: missense variant. On other transcripts: non-coding transcript variant (1).
Genome position (GRCh38, 1-based): chr2:199,455,974, C>T on the plus strand (G>A on the coding strand, the complement: SATB2 is on the minus strand). VCF-style: chr2-199455974-C-T. GRCh37 (hg19) VCF-style: chr2-200320697-C-T.
Other names: c.64G>A, p.Asp22Asn (NM_001172517.1, NM_015265.4); short protein forms D22N.
Identifiers: ClinVar variation 3711810 (VCV003711810.2).

ClinVar aggregate classification (germline): Uncertain significance (1 of 4 stars; one submission).

Conditions:
Chromosome 2q32-q33 deletion syndrome (GLASS). Also called: Glass syndrome; 2q33.1 deletion syndrome. Identifiers: Orphanet 251019, MedGen C2676739, MONDO:0012864, OMIM 612313.

Submission:

Labcorp Genetics (formerly Invitae), Labcorp
Classification: Uncertain significance for Chromosome 2q32-q33 deletion syndrome. Last evaluated: 2024-11-13. Review status: criteria provided, single submitter. Criteria: Invitae Variant Classification Sherloc (09022015). Collection method: clinical testing. Allele origin: germline.
Comment: This sequence change replaces aspartic acid, which is acidic and polar, with asparagine, which is neutral and polar, at codon 22 of the SATB2 protein (p.Asp22Asn). This variant is not present in population databases (gnomAD no frequency). This variant has not been reported in the literature in individuals affected with SATB2-related conditions. Invitae Evidence Modeling of protein sequence and biophysical properties (such as structural, functional, and spatial information, amino acid conservation, physicochemical variation, residue mobility, and thermodynamic stability) indicates that this missense variant is not expected to disrupt SATB2 protein function with a negative predictive value of 80%. In summary, the available evidence is currently insufficient to determine the role of this variant in disease. Therefore, it has been classified as a Variant of Uncertain Significance.